The following is an entry in ClinVar:

ClinVar aggregate classification (germline): Uncertain significance (1 of 4 stars; one submission).

Conditions:
Cardiovascular phenotype. Identifiers: MedGen CN230736.

Allele frequency attached by ClinVar (database versions not stated): gnomAD exomes below 0.00001; gnomAD 0.00001; TOPMed 0.00001.
gnomAD v4.1: 2 of 1,613,708 alleles (0.00012%); highest among the groups gnomAD compares: Non-Finnish European, 0.00017%; no homozygotes.

Submission:

Ambry Genetics
Classification: Uncertain significance for Cardiovascular phenotype. Last evaluated: 2015-11-03. Review status: criteria provided, single submitter. Criteria: Ambry Variant Classification Scheme 2023. Collection method: clinical testing. Allele origin: germline.
Comment: The p.T4263K variant (also known as c.12788C>A), located in coding exon 44 of the TTN gene, results from a C to A substitution at nucleotide position 12788. The threonine at codon 4263 is replaced by lysine, an amino acid with some similar properties. This variant was not reported in population based cohorts in the following databases: Database of Single Nucleotide Polymorphisms (dbSNP), NHLBI Exome Sequencing Project (ESP), and 1000 Genomes Project. In the ESP, this variant was not observed in 6054 samples (12108 alleles) with coverage at this position. This amino acid position is poorly conserved in available vertebrate species. In addition, this alteration is predicted to be tolerated by in silico analysis. Since supporting evidence is limited at this time, the clinical significance of this variant remains unclear.

NM_001267550.2(TTN):c.13877C>A (p.Thr4626Lys)

Gene: TTN (titin; minus strand). Cytogenetic location: 2q31.2.
Variant type: single nucleotide variant.
Coding change: c.13877C>A on transcript NM_001267550.2 (MANE Select); coding-DNA position 13877, C replaced by A.
Protein change: p.Thr4626Lys; replaces threonine 4626 with lysine.
Molecular consequence: missense variant. On other transcripts: intron variant (1).
Genome position (GRCh38, 1-based): chr2:178,739,356, G>T on the plus strand (C>A on the coding strand, the complement: TTN is on the minus strand). VCF-style: chr2-178739356-G-T. GRCh37 (hg19) VCF-style: chr2-179604083-G-T.
Other names: c.12926C>A, p.Thr4309Lys (NM_001256850.1); c.12788C>A, p.Thr4263Lys (NM_003319.4); c.13163C>A, p.Thr4388Lys (NM_133432.3); c.13364C>A, p.Thr4455Lys (NM_133437.4); c.10361-996C>A (NM_133378.4); short protein forms T4263K, T4626K, T4455K, T4309K, T4388K.
Identifiers: ClinVar variation 264459 (VCV000264459.5), dbSNP rs886039164, ClinGen allele CA10587514.